The following is an entry in ClinVar:

ClinVar aggregate classification (germline): Uncertain significance (1 of 4 stars; one submission).

gnomAD v4.1: 1 of 1,612,094 alleles (0.000062%); highest among the groups gnomAD compares: Non-Finnish European, 0.000085%; no homozygotes.

Submission:

Labcorp Genetics (formerly Invitae), Labcorp
Classification: Uncertain significance. Last evaluated: 2021-08-16. Review status: criteria provided, single submitter. Criteria: Invitae Variant Classification Sherloc (09022015). Collection method: clinical testing. Allele origin: germline.
Comment: In summary, the available evidence is currently insufficient to determine the role of this variant in disease. Therefore, it has been classified as a Variant of Uncertain Significance. Algorithms developed to predict the effect of missense changes on protein structure and function are either unavailable or do not agree on the potential impact of this missense change (SIFT: "Deleterious"; PolyPhen-2: "Probably Damaging"; Align-GVGD: "Class C0"). This variant has not been reported in the literature in individuals affected with SLITRK6-related conditions. This variant is not present in population databases (ExAC no frequency). This sequence change replaces leucine with phenylalanine at codon 823 of the SLITRK6 protein (p.Leu823Phe). The leucine residue is moderately conserved and there is a small physicochemical difference between leucine and phenylalanine.

NM_032229.3(SLITRK6):c.2467C>T (p.Leu823Phe)

Gene: SLITRK6 (SLIT and NTRK like family member 6; minus strand). Cytogenetic location: 13q31.1.
Variant type: single nucleotide variant.
Coding change: c.2467C>T on transcript NM_032229.3 (MANE Select); coding-DNA position 2467, C replaced by T.
Protein change: p.Leu823Phe; replaces leucine 823 with phenylalanine.
Molecular consequence: missense variant.
Genome position (GRCh38, 1-based): chr13:85,794,042, G>A on the plus strand (C>T on the coding strand, the complement: SLITRK6 is on the minus strand). VCF-style: chr13-85794042-G-A. GRCh37 (hg19) VCF-style: chr13-86368177-G-A.
Other names: short protein forms L823F.
Identifiers: ClinVar variation 1375409 (VCV001375409.6), dbSNP rs982281369, ClinGen allele CA388371757.
Genomic context (GRCh38, chr13:85,794,042, plus strand): 5'-TCTATGTTTGCTGCTCCAGGACTTCTAAATAGTCAGGTTCAGCATGTAAATTAGCTTTAA[G>A]TTCAAAATACTCATTTTTTGTCTGTTCCACTAATACCTTCCTTGGACGTGAGTACATTAA-3'
Protein context (NP_115605.2, residues 813-833): VEQTKNEYFE[Leu823Phe]KANLHAEPDY